The following is an entry in ClinVar:

NM_017777.4(MKS1):c.918del (p.Val307fs)

Gene: MKS1 (MKS transition zone complex subunit 1; minus strand). Cytogenetic location: 17q22.
Variant type: Deletion.
Coding change: c.918del on transcript NM_017777.4 (MANE Select); coding-DNA position 918, one base deleted (T; older notation c.918delT).
Protein change: p.Val307fs; shifts the reading frame from valine 307.
Molecular consequence: frameshift variant.
Genome position (GRCh38, 1-based): chr17:58,211,020, A deleted on the plus strand (T on the coding strand, the reverse complement: MKS1 is on the minus strand). VCF-style (leftmost placement, unchanged base first): chr17-58211019-CA-C. GRCh37 (hg19) VCF-style: chr17-56288380-CA-C.
Other names: c.309del, p.Val104fs (NM_001321268.2); c.918del, p.Val307fs (NM_001321269.2, NM_001330397.2); short protein forms V104fs, V307fs.
Identifiers: ClinVar variation 1072326 (VCV001072326.7), dbSNP rs2143778074, ClinGen allele CA2499224749.
Genomic context (GRCh38, chr17:58,211,019, plus strand): 5'-CTATGCTAGCAAGACACTTACCGACCTCTCCATTTACAAAGAGCCGGAGGGCACCTGGGA[CA>C]GTCTAAGGTGAAGAGAAGTGGGAAAGGATCAGCAGGCCTGGAGGGAATTGGCACTTCTCC-3'

ClinVar aggregate classification (germline): Pathogenic (1 of 4 stars; one submission).

Conditions:
Joubert syndrome. Also called: Familial aplasia of the vermis; CEREBELLOPARENCHYMAL DISORDER IV; JOUBERT-BOLTSHAUSER SYNDROME. Identifiers: Orphanet 475, MedGen C5979921, MONDO:0018772.
Meckel-Gruber syndrome. Also called: Dysencephalia splachnocystica; DYSENCEPHALIA SPLANCHNOCYSTICA; GRUBER SYNDROME. Identifiers: Orphanet 564, MedGen C0265215, MONDO:0018921.

Allele frequency attached by ClinVar (database versions not stated): gnomAD exomes below 0.00001.

Submission:

Labcorp Genetics (formerly Invitae), Labcorp
Classification: Pathogenic for Joubert syndrome; Meckel-Gruber syndrome. Last evaluated: 2022-02-22. Review status: criteria provided, single submitter. Criteria: Invitae Variant Classification Sherloc (09022015). Collection method: clinical testing. Allele origin: germline.
Comment: This sequence change creates a premature translational stop signal (p.Val307Serfs*9) in the MKS1 gene. It is expected to result in an absent or disrupted protein product. Loss-of-function variants in MKS1 are known to be pathogenic (PMID: 19466712, 24886560, 26490104). This variant is not present in population databases (gnomAD no frequency). This variant has not been reported in the literature in individuals affected with MKS1-related conditions. ClinVar contains an entry for this variant (Variation ID: 1072326). For these reasons, this variant has been classified as Pathogenic.

Literature cited by the submitters: PubMed 19466712; PubMed 24886560; PubMed 26490104.